The following is an entry in ClinVar:

NM_001321075.3(DLG4):c.1702C>T (p.Arg568Trp)

Gene: DLG4 (discs large MAGUK scaffold protein 4; minus strand). Cytogenetic location: 17p13.1.
Variant type: single nucleotide variant.
Coding change: c.1702C>T on transcript NM_001321075.3 (MANE Select); coding-DNA position 1702, C replaced by T.
Protein change: p.Arg568Trp; replaces arginine 568 with tryptophan.
Molecular consequence: missense variant. On other transcripts: non-coding transcript variant (1).
Genome position (GRCh38, 1-based): chr17:7,193,109, G>A on the plus strand (C>T on the coding strand, the complement: DLG4 is on the minus strand). VCF-style: chr17-7193109-G-A. GRCh37 (hg19) VCF-style: chr17-7096428-G-A.
Other names: c.1693C>T, p.Arg565Trp (NM_001128827.4); c.1822C>T, p.Arg608Trp (NM_001321074.1); c.1522C>T, p.Arg508Trp (NM_001321076.3, NM_001321077.3); c.1831C>T, p.Arg611Trp (NM_001365.5); c.1621C>T, p.Arg541Trp (NM_001369566.3); short protein forms R508W, R541W, R565W, R568W, R608W, R611W.
Identifiers: ClinVar variation 3772427 (VCV003772427.13).

ClinVar aggregate classification (germline): Uncertain significance (1 of 4 stars; one submission).

gnomAD v4.1: 2 of 1,613,636 alleles (0.00012%); highest among the groups gnomAD compares: Non-Finnish European, 0.000085%; no homozygotes.

Submission:

CeGaT Center for Human Genetics Tuebingen
Classification: Uncertain significance. Last evaluated: 2025-02-01. Review status: criteria provided, single submitter. Criteria: CeGaT Center For Human Genetics Tuebingen Variant Classification Criteria Version 2. Collection method: clinical testing. Allele origin: germline. Affected: yes. Observed: 1 variant allele.
Comment: DLG4: PM2:Supporting, PP2, PP3